The following is an entry in ClinVar:

NM_004447.6(EPS8):c.238G>T (p.Ala80Ser)

Gene: EPS8 (EGFR pathway substrate 8, signaling adaptor; minus strand). Cytogenetic location: 12p12.3.
Variant type: single nucleotide variant.
Coding change: c.238G>T on transcript NM_004447.6 (MANE Select); coding-DNA position 238, G replaced by T.
Protein change: p.Ala80Ser; replaces alanine 80 with serine.
Molecular consequence: missense variant.
Genome position (GRCh38, 1-based): chr12:15,669,792, C>A on the plus strand (G>T on the coding strand, the complement: EPS8 is on the minus strand). VCF-style: chr12-15669792-C-A. GRCh37 (hg19) VCF-style: chr12-15822726-C-A.
Other names: c.238G>T, p.Ala80Ser (NM_001413831.1, NM_001413832.1, NM_001413833.1 and 3 more transcripts); c.-3G>T (NM_001413835.1, NM_001413836.1); c.-184G>T (NM_001413837.1); short protein forms A80S.
Identifiers: ClinVar variation 2429503 (VCV002429503.3), dbSNP rs978483858, ClinGen allele CA233369043.

ClinVar aggregate classification (germline): Uncertain significance. Review status: criteria provided, multiple submitters, no conflicts (2 of 4 stars). 2 submissions from 2 submitters: Uncertain significance (2). Last evaluated 2026-04-21.

Conditions:
EPS8-related disorder. Also called: EPS8-related condition.

Allele frequency attached by ClinVar (database versions not stated): gnomAD exomes below 0.00001; TOPMed 0.00004; gnomAD 0.00005.
gnomAD v4.1: 12 of 1,609,498 alleles (0.00075%); highest among the groups gnomAD compares: African/African-American, 0.013%; no homozygotes.

Submissions (2):

PreventionGenetics, part of Exact Sciences
Classification: Uncertain significance for EPS8-related condition. Last evaluated: 2026-04-21. Review status: criteria provided, single submitter. Criteria: ACMG Guidelines, 2015. Collection method: clinical testing. Allele origin: germline.
Comment: The EPS8 c.238G>T variant is predicted to result in the amino acid substitution p.Ala80Ser. To our knowledge, this variant has not been reported in the literature. This variant is reported in 0.019% of alleles in individuals of African descent in gnomAD. At this time, the clinical significance of this variant is uncertain due to the absence of conclusive functional and genetic evidence.

GeneDx
Classification: Uncertain significance. Last evaluated: 2025-07-02. Review status: criteria provided, single submitter. Criteria: GeneDx Variant Classification Process June 2021. Collection method: clinical testing. Allele origin: germline. Affected: yes.
Comment: In silico analysis suggests that this missense variant does not alter protein structure/function; Has not been previously published as pathogenic or benign to our knowledge